The following is an entry in ClinVar:

NM_005476.7(GNE):c.1688G>A (p.Cys563Tyr)

Gene: GNE (glucosamine (UDP-N-acetyl)-2-epimerase/N-acetylmannosamine kinase; minus strand). Cytogenetic location: 9p13.3.
Variant type: single nucleotide variant.
Coding change: c.1688G>A on transcript NM_005476.7 (MANE Select); coding-DNA position 1688, G replaced by A.
Protein change: p.Cys563Tyr; replaces cysteine 563 with tyrosine.
Molecular consequence: missense variant.
Genome position (GRCh38, 1-based): chr9:36,219,966, C>T on the plus strand (G>A on the coding strand, the complement: GNE is on the minus strand). VCF-style: chr9-36219966-C-T. GRCh37 (hg19) VCF-style: chr9-36219963-C-T.
Other names: c.1781G>A, p.Cys594Tyr (NM_001128227.3); c.1466G>A, p.Cys489Tyr (NM_001190383.3); c.1358G>A, p.Cys453Tyr (NM_001190384.3); c.1511G>A, p.Cys504Tyr (NM_001190388.2, NM_001374798.1); c.1535G>A, p.Cys512Tyr (NM_001374797.1); short protein forms C453Y, C489Y, C504Y, C512Y, C563Y, C594Y.
Identifiers: ClinVar variation 4068807 (VCV004068807.3).

ClinVar aggregate classification (germline): Likely pathogenic. Review status: criteria provided, single submitter (1 of 4 stars). 2 submissions from 2 submitters: Likely pathogenic (1). 1 of the submissions does not count toward it. Last evaluated 2025-01-23.

Conditions:
Thrombocytopenia 12 with or without myopathy (THC12). Identifiers: MedGen C5935593, MONDO:0958325, OMIM 620757.
GNE myopathy (NM). Also called: NONAKA DISTAL MYOPATHY; INCLUSION BODY MYOPATHY, HEREDITARY, AUTOSOMAL RECESSIVE; INCLUSION BODY MYOPATHY 2, AUTOSOMAL RECESSIVE; MYOPATHY, DISTAL, WITH OR WITHOUT RIMMED VACUOLES; IBM 2; Inclusion body myopathy autosomal recessive. Identifiers: Orphanet 602, MedGen C1853926, MONDO:0011603, OMIM 605820.

Submissions (2):

Natera, Inc.
Classification: Likely pathogenic for Nonaka myopathy. Last evaluated: 2025-01-23. Review status: criteria provided, single submitter. Criteria: Natera Variant Classification Schema (03/2026). Collection method: clinical testing. Allele origin: germline.
Comment: The c.1781G>A variant in GNE is a missense variant predicted to cause substitution of cysteine to tyrosine at amino acid 594. This variant is rare in the general population with a frequency below the threshold expected for the associated phenotype(s). This variant has been observed in one or more individuals affected with the associated recessive disease, as either homozygous or compound heterozygous with a second variant (PMID: 38237079). Functional studies show that this variant may disrupt protein function (PMID: 38237079). Computational prediction algorithms indicate this variant is likely to affect gene or protein function. Given the available evidence, this variant is classified as Likely Pathogenic.

OMIM
Classification: Pathogenic for THROMBOCYTOPENIA 12 WITHOUT MYOPATHY. Last evaluated: 2026-10-29. Review status: no assertion criteria provided. Collection method: literature only. Allele origin: germline. Not counted in ClinVar's aggregate classification.

Literature cited by the submitters: PubMed 38237079 (cited by Natera, Inc. and OMIM).